The following is an entry in ClinVar:

NM_001379150.1(IRS4):c.643G>T (p.Gly215Ter)

Gene: IRS4 (insulin receptor substrate 4; minus strand). Cytogenetic location: Xq22.3.
Variant type: single nucleotide variant.
Coding change: c.643G>T on transcript NM_001379150.1 (MANE Select); coding-DNA position 643, G replaced by T.
Protein change: p.Gly215Ter; replaces glycine 215 with a stop codon.
Molecular consequence: nonsense.
Genome position (GRCh38, 1-based): chrX:108,735,702, C>A on the plus strand (G>T on the coding strand, the complement: IRS4 is on the minus strand). VCF-style: chrX-108735702-C-A. GRCh37 (hg19) VCF-style: chrX-107978932-C-A.
Other names: c.643G>T, p.Gly215Ter (NM_003604.2); short protein forms G215*.
Identifiers: ClinVar variation 691492 (VCV000691492.3), dbSNP rs760832986, ClinGen allele CA414210114.
Genomic context (GRCh38, chrX:108,735,702, plus strand): 5'-ACACATCTTTATAGAAGGGTGGCTCCGCCGCCGCTGCCGCCGCCAGCGCGGCCGGCTCTC[C>A]GTCCGGCTGCGCGCCGAGCGTGCCGCAGCGGCGGCGCTTGCTCTCGAGGATGAGGCGGCT-3'

ClinVar aggregate classification (germline): Likely pathogenic. Review status: criteria provided, single submitter (1 of 4 stars). 2 submissions from 2 submitters: Likely pathogenic (1). 1 of the submissions does not count toward it. Last evaluated 2025-07-30.

Conditions:
Hypothyroidism, congenital, nongoitrous, 9. Identifiers: MedGen C5231396, MONDO:0026732, OMIM 301035.

Submissions (2):

GeneDx
Classification: Likely pathogenic. Last evaluated: 2025-07-30. Review status: criteria provided, single submitter. Criteria: GeneDx Variant Classification Process June 2021. Collection method: clinical testing. Allele origin: germline.
Comment: Not observed at significant frequency in large population cohorts (gnomAD); Nonsense variant predicted to result in protein truncation as the last 1043 amino acid(s) are lost; This variant is associated with the following publications: (PMID: 30061370, 33107432)

OMIM
Classification: Pathogenic for HYPOTHYROIDISM, CONGENITAL, NONGOITROUS, 9. Last evaluated: 2019-09-26. Review status: no assertion criteria provided. Collection method: literature only. Allele origin: germline. Not counted in ClinVar's aggregate classification.

Literature cited by the submitters: PubMed 30061370 (cited by OMIM).